The following is an entry in ClinVar:

NM_001077365.2(POMT1):c.1503_1508dup (p.500_501RE[4])

Gene: POMT1 (protein O-mannosyltransferase 1; plus strand). Cytogenetic location: 9q34.13.
Variant type: Duplication.
Coding change: c.1503_1508dup on transcript NM_001077365.2 (MANE Select); coding-DNA positions 1503 to 1508, 6 bases duplicated (GCGGGA; older notation c.1503_1508dupGCGGGA).
Protein change: p.500_501RE[4].
Molecular consequence: inframe insertion. On other transcripts: non-coding transcript variant (10), intron variant (1).
Genome position (GRCh38, 1-based): chr9:131,519,405-131,519,410, GCGGGA duplicated; duplicating any 6 consecutive bases within chr9:131,519,401-131,519,410 gives the same sequence; the c. name uses the placement nearest the transcript's 3' end. VCF-style (leftmost placement, unchanged base first): chr9-131519400-A-AGGGAGC. GRCh37 (hg19) VCF-style: chr9-134394787-A-AGGGAGC.
Other names: c.1569_1574dupGCGGGA (NM_007171.3); c.1341_1346dup, p.446_447RE[4] (NM_001077366.2, NM_001353194.2); c.1503_1508dup, p.500_501RE[4] (NM_001136113.2); c.1152_1157dup, p.383_384RE[4] (NM_001136114.2, NM_001353195.2, NM_001374691.1 and 2 more transcripts); c.1569_1574dup, p.522_523RE[4] (NM_001353193.2, NM_007171.4); c.1413_1418dup, p.470_471RE[4] (NM_001353196.2); c.1407_1412dup, p.468_469RE[4] (NM_001353197.2, NM_001353198.2); c.1218_1223dup, p.405_406RE[4] (NM_001353199.2); and 5 more.
Identifiers: ClinVar variation 162593 (VCV000162593.12), dbSNP rs727502853, ClinGen allele CA295429.

ClinVar aggregate classification (germline): Uncertain significance. Review status: criteria provided, multiple submitters, no conflicts (2 of 4 stars). 4 submissions from 4 submitters: Uncertain significance (4). Last evaluated 2025-02-27.

Conditions:
Walker-Warburg congenital muscular dystrophy. Also called: Muscular dystrophy-dystroglycanopathy, type A; Walker-Warburg syndrome. Identifiers: Orphanet 899, MedGen C0265221, MONDO:0000171.
Autosomal recessive limb-girdle muscular dystrophy type 2K. Also called: MUSCULAR DYSTROPHY-DYSTROGLYCANOPATHY (LIMB-GIRDLE), TYPE C, 1; MUSCULAR DYSTROPHY, LIMB-GIRDLE, TYPE 2K. Identifiers: Orphanet 86812, MedGen C1836373, MONDO:0012248, OMIM 609308.
Muscular dystrophy-dystroglycanopathy (congenital with impaired intellectual development), type B, 1. Also called: MUSCULAR DYSTROPHY, CONGENITAL, POMT1-RELATED; Muscular dystrophy-dystroglycanopathy (congenital with intellectual disability), type B1. Identifiers: MedGen C5436962, MONDO:0013159, OMIM 613155.
Congenital muscular dystrophy. Identifiers: Orphanet 97242, MedGen C0699743, MONDO:0019950. Disease mechanism: loss of function.

Submissions (4):

Labcorp Genetics (formerly Invitae), Labcorp
Classification: Uncertain significance for Muscular dystrophy-dystroglycanopathy (congenital with impaired intellectual development), type B, 1; Walker-Warburg congenital muscular dystrophy; Autosomal recessive limb-girdle muscular dystrophy type 2K. Last evaluated: 2025-02-27. Review status: criteria provided, single submitter. Criteria: Invitae Variant Classification Sherloc (09022015). Collection method: clinical testing. Allele origin: germline.
Comment: This variant, c.1569_1574dup, results in the insertion of 2 amino acid(s) of the POMT1 protein (p.Arg526_Glu527dup), but otherwise preserves the integrity of the reading frame. This variant is present in population databases (rs727502853, gnomAD 0.03%). This variant has not been reported in the literature in individuals affected with POMT1-related conditions. ClinVar contains an entry for this variant (Variation ID: 162593). Experimental studies and prediction algorithms are not available or were not evaluated, and the functional significance of this variant is currently unknown. In summary, the available evidence is currently insufficient to determine the role of this variant in disease. Therefore, it has been classified as a Variant of Uncertain Significance.

Revvity Omics, Revvity
Classification: Uncertain significance. Last evaluated: 2020-11-03. Review status: criteria provided, single submitter. Criteria: ACMG Guidelines, 2015. Collection method: clinical testing. Allele origin: germline.

Eurofins Ntd Llc (ga)
Classification: Uncertain significance. Last evaluated: 2017-02-02. Review status: criteria provided, single submitter. Criteria: EGL Classification Definitions 2015. Collection method: clinical testing. Allele origin: germline. Observed: 1 variant allele, 1 heterozygote.

GeneDx
Classification: Uncertain significance for Congenital muscular dystrophy. Last evaluated: 2014-04-24. Review status: criteria provided, single submitter. Criteria: GeneDx Variant Classification (06012015). Collection method: clinical testing. Allele origin: germline. Affected: yes.
Comment: c.1569_1574dupGCGGGA: p.Arg526_Glu527dup in exon 16 in the POMT1 gene (NM_007171.3). The normal sequence with the base(s) that are inserted in braces is: GGGA{GCGGGA}ACGGGA. The c.1569_1574dupGCGGGA variant in the POMT1 gene has not been reported previously as a disease-causing mutation nor as a benign polymorphism, to our knowledge. The c.1569_1574dupGCGGGA variant causes an in-frame duplication that results in insertion of two amino acids, Arginine 526 and Glutamine 527, denoted p.Arg526_Glu527ins. The c.1569_1574dupGCGGGA variant was not observed in approximately 6,300 individuals of European and African American ancestry in the NHLBI Exome Sequencing Project, indicating it is not a common benign variant in these populations. We interpret c.1569_1574dupGCGGGA as a variant of unknown significance. The variant is found in POMT1 panel(s).